The following is an entry in ClinVar:

NM_020680.4(SCYL1):c.1347A>C (p.Thr449=)

Gene: SCYL1 (SCY1 like pseudokinase 1; plus strand). Cytogenetic location: 11q13.1.
Variant type: single nucleotide variant.
Coding change: c.1347A>C on transcript NM_020680.4 (MANE Select); coding-DNA position 1347, A replaced by C.
Protein change: p.Thr449=; no amino-acid change (threonine 449 retained).
Molecular consequence: synonymous variant.
Genome position (GRCh38, 1-based): chr11:65,535,343, A>C. VCF-style: chr11-65535343-A-C. GRCh37 (hg19) VCF-style: chr11-65302814-A-C.
Other names: c.1347A>C, p.Thr449= (NM_001048218.2, NM_001411022.1, NM_001425179.1 and 16 more transcripts); c.1344A>C, p.Thr448= (NM_001425180.1, NM_001425183.1); c.1269A>C, p.Thr423= (NM_001425187.1); c.1263A>C, p.Thr421= (NM_001425189.1); c.1233A>C, p.Thr411= (NM_001425191.1); c.1092A>C, p.Thr364= (NM_001425199.1); c.1083A>C, p.Thr361= (NM_001425200.1); c.918A>C, p.Thr306= (NM_001425203.1, NM_001425204.1, NM_001425205.1 and 2 more transcripts); and 1 more.
Identifiers: ClinVar variation 3898378 (VCV003898378.7).

ClinVar aggregate classification (germline): Likely benign (1 of 4 stars; one submission).

gnomAD v4.1: 47 of 1,614,258 alleles (0.0029%); highest among the groups gnomAD compares: South Asian, 0.04%; no homozygotes.

Submission:

CeGaT Center for Human Genetics Tuebingen
Classification: Likely benign. Last evaluated: 2025-05-01. Review status: criteria provided, single submitter. Criteria: CeGaT Center For Human Genetics Tuebingen Variant Classification Criteria Version 2. Collection method: clinical testing. Allele origin: germline. Affected: yes. Observed: 1 variant allele.
Comment: SCYL1: BP4, BP7